The following is an entry in ClinVar:

ClinVar aggregate classification (germline): Uncertain significance (1 of 4 stars; one submission).

gnomAD v4.1: 1 of 1,614,132 alleles (0.000062%); no homozygotes.

Submission:

Labcorp Genetics (formerly Invitae), Labcorp
Classification: Uncertain significance. Last evaluated: 2022-06-14. Review status: criteria provided, single submitter. Criteria: Invitae Variant Classification Sherloc (09022015). Collection method: clinical testing. Allele origin: germline.
Comment: This variant has not been reported in the literature in individuals affected with COL9A2-related conditions. This variant is not present in population databases (gnomAD no frequency). This sequence change falls in intron 14 of the COL9A2 gene. It does not directly change the encoded amino acid sequence of the COL9A2 protein. It affects a nucleotide within the consensus splice site. Variants that disrupt the consensus splice site are a relatively common cause of aberrant splicing (PMID: 17576681, 9536098). Algorithms developed to predict the effect of sequence changes on RNA splicing suggest that this variant is not likely to affect RNA splicing. In summary, the available evidence is currently insufficient to determine the role of this variant in disease. Therefore, it has been classified as a Variant of Uncertain Significance.

Literature cited by the submitters: PubMed 17576681; PubMed 9536098.

NM_001852.4(COL9A2):c.738+4A>G

Gene: COL9A2 (collagen type IX alpha 2 chain; minus strand). Cytogenetic location: 1p34.2.
Variant type: single nucleotide variant.
Coding change: c.738+4A>G on transcript NM_001852.4 (MANE Select); 4 bases into the intron after coding-DNA position 738, A replaced by G.
Molecular consequence: intron variant.
Genome position (GRCh38, 1-based): chr1:40,310,260, T>C on the plus strand (A>G on the coding strand, the complement: COL9A2 is on the minus strand). VCF-style: chr1-40310260-T-C. GRCh37 (hg19) VCF-style: chr1-40775932-T-C.
Identifiers: ClinVar variation 1997224 (VCV001997224.4), dbSNP rs2522541336, ClinGen allele CA2580063157.
Genomic context (GRCh38, chr1:40,310,260, plus strand): 5'-TGAACTCCAGGGGCCAGAAGGCAGCTCCTGGAAGCTCTTGTAGAACACCCCAAGATTCAC[T>C]TACCGTCTCTCCCTTGGGCCCTGCCATGCCTGGGTAGCCCCTGATGCCCTGGGGACCCTG-3'